The following is an entry in ClinVar:

ClinVar aggregate classification (germline): Uncertain significance (1 of 4 stars; one submission).

gnomAD v4.1: 4 of 1,528,328 alleles (0.00026%); highest among the groups gnomAD compares: African/African-American, 0.0043%; no homozygotes.

Submission:

Labcorp Genetics (formerly Invitae), Labcorp
Classification: Uncertain significance. Last evaluated: 2025-10-09. Review status: criteria provided, single submitter. Criteria: Invitae Variant Classification Sherloc (09022015). Collection method: clinical testing. Allele origin: germline.
Comment: This sequence change replaces alanine, which is neutral and non-polar, with valine, which is neutral and non-polar, at codon 2 of the POLE2 protein (p.Ala2Val). The frequency data for this variant in the population databases is considered unreliable, as metrics indicate poor data quality at this position in the gnomAD database. This variant has not been reported in the literature in individuals affected with POLE2-related conditions. An algorithm developed to predict the effect of missense changes on protein structure and function (PolyPhen-2) suggests that this variant is likely to be disruptive. In summary, the available evidence is currently insufficient to determine the role of this variant in disease. Therefore, it has been classified as a Variant of Uncertain Significance.

NM_002692.4(POLE2):c.5C>T (p.Ala2Val)

Gene: POLE2 (DNA polymerase epsilon 2, accessory subunit; minus strand). Cytogenetic location: 14q21.3.
Variant type: single nucleotide variant.
Coding change: c.5C>T on transcript NM_002692.4 (MANE Select); coding-DNA position 5, C replaced by T.
Protein change: p.Ala2Val; replaces alanine 2 with valine.
Molecular consequence: missense variant. On other transcripts: 5 prime UTR variant (1).
Genome position (GRCh38, 1-based): chr14:49,688,199, G>A on the plus strand (C>T on the coding strand, the complement: POLE2 is on the minus strand). VCF-style: chr14-49688199-G-A. GRCh37 (hg19) VCF-style: chr14-50154917-G-A.
Other names: c.5C>T, p.Ala2Val (NM_001197330.2, NM_001197331.3, NM_001348384.2); c.-231C>T (NM_001348385.2); short protein forms A2V.
Identifiers: ClinVar variation 4752495 (VCV004752495.1).